The following is an entry in ClinVar:

ClinVar aggregate classification (germline): Uncertain significance. Review status: criteria provided, multiple submitters, no conflicts (2 of 4 stars). 2 submissions from 2 submitters: Uncertain significance (2). Last evaluated 2025-09-24.

Conditions:
Inborn genetic diseases. Identifiers: MedGen C0950123, MeSH D030342.

Submissions (2):

Ambry Genetics
Classification: Uncertain significance for Inborn genetic diseases. Last evaluated: 2025-09-24. Review status: criteria provided, single submitter. Criteria: Ambry Variant Classification Scheme 2023. Collection method: clinical testing. Allele origin: germline.

Labcorp Genetics (formerly Invitae), Labcorp
Classification: Uncertain significance. Last evaluated: 2024-11-22. Review status: criteria provided, single submitter. Criteria: Invitae Variant Classification Sherloc (09022015). Collection method: clinical testing. Allele origin: germline.
Comment: This sequence change replaces cysteine, which is neutral and slightly polar, with serine, which is neutral and polar, at codon 26 of the GANAB protein (p.Cys26Ser). This variant is not present in population databases (gnomAD no frequency). This variant has not been reported in the literature in individuals affected with GANAB-related conditions. An algorithm developed to predict the effect of missense changes on protein structure and function (PolyPhen-2) suggests that this variant is likely to be tolerated. In summary, the available evidence is currently insufficient to determine the role of this variant in disease. Therefore, it has been classified as a Variant of Uncertain Significance.

NM_198334.3(GANAB):c.76T>A (p.Cys26Ser)

Gene: GANAB (glucosidase II alpha subunit; minus strand). Cytogenetic location: 11q12.3.
Variant type: single nucleotide variant.
Coding change: c.76T>A on transcript NM_198334.3 (MANE Select); coding-DNA position 76, T replaced by A.
Protein change: p.Cys26Ser; replaces cysteine 26 with serine.
Molecular consequence: missense variant. On other transcripts: 5 prime UTR variant (5), intron variant (2).
Genome position (GRCh38, 1-based): chr11:62,639,694, A>T on the plus strand (T>A on the coding strand, the complement: GANAB is on the minus strand). VCF-style: chr11-62639694-A-T. GRCh37 (hg19) VCF-style: chr11-62407166-A-T.
Other names: c.-107T>A (NM_001278194.2); c.-216T>A (NM_001329222.2); c.-212T>A (NM_001329223.2); c.-701T>A (NM_001329224.2, NM_001329225.2); c.76T>A, p.Cys26Ser (NM_198335.4); c.39-4694T>A (NM_001278193.2, NM_001278192.2); c.76T>A (NM_198335.2); short protein forms C26S.
Identifiers: ClinVar variation 3683785 (VCV003683785.3).